The following is an entry in ClinVar:

ClinVar aggregate classification (germline): Uncertain significance (1 of 4 stars; one submission).

Allele frequency attached by ClinVar (database versions not stated): gnomAD exomes below 0.00001; gnomAD 0.00001; TOPMed 0.00001.

Submission:

Ambry Genetics
Classification: Uncertain significance. Last evaluated: 2022-05-16. Review status: criteria provided, single submitter. Criteria: Ambry Variant Classification Scheme 2023. Collection method: clinical testing. Allele origin: germline.
Comment: The p.H82N variant (also known as c.244C>A), located in coding exon 2 of the BUB3 gene, results from a C to A substitution at nucleotide position 244. The histidine at codon 82 is replaced by asparagine, an amino acid with similar properties. This amino acid position is conserved. In addition, the in silico prediction for this alteration is inconclusive. Since supporting evidence is limited at this time, the clinical significance of this alteration remains unclear.

NM_004725.4(BUB3):c.244C>A (p.His82Asn)

Gene: BUB3 (BUB3 mitotic checkpoint protein; plus strand). Cytogenetic location: 10q26.13.
Variant type: single nucleotide variant.
Coding change: c.244C>A on transcript NM_004725.4 (MANE Select); coding-DNA position 244, C replaced by A.
Protein change: p.His82Asn; replaces histidine 82 with asparagine.
Molecular consequence: missense variant.
Genome position (GRCh38, 1-based): chr10:123,155,706, C>A. VCF-style: chr10-123155706-C-A. GRCh37 (hg19) VCF-style: chr10-124915222-C-A.
Other names: c.244C>A, p.His82Asn (NM_001007793.3); short protein forms H82N.
Identifiers: ClinVar variation 1791455 (VCV001791455.2), dbSNP rs955314029, ClinGen allele CA215181514.